The following is an entry in ClinVar:

ClinVar aggregate classification (germline): Benign. Review status: criteria provided, multiple submitters, no conflicts (2 of 4 stars). 3 submissions from 3 submitters: Benign (3). Last evaluated 2024-01-24.

Allele frequency attached by ClinVar (database versions not stated): gnomAD exomes 0.17753; gnomAD 0.21382 and 0.21490; TOPMed 0.22416; 1000 Genomes Project 0.25879; 1000 Genomes Project 30x 0.25906.
gnomAD v4.1: 273,838 of 1,509,962 alleles (18%); highest among the groups gnomAD compares: East Asian, 31%; 26,363 homozygotes.

Submissions (3):

Unidad de Genómica Garrahan, Hospital de Pediatría Garrahan
Classification: Benign. Last evaluated: 2024-01-24. Review status: criteria provided, single submitter. Criteria: ACMG Guidelines, 2015. Collection method: clinical testing. Allele origin: germline. Affected: no. Observed: 49 variant alleles.
Comment: This variant is classified as Benign based on local population frequency. This variant was detected in 52% of patients studied by a panel of primary immunodeficiencies. Number of patients: 49. Only high quality variants are reported.

GeneDx
Classification: Benign. Last evaluated: 2018-11-12. Review status: criteria provided, single submitter. Criteria: GeneDx Variant Classification Process June 2021. Collection method: clinical testing. Allele origin: germline. Affected: yes.

Breakthrough Genomics
Classification: Benign. Review status: criteria provided, single submitter. Criteria: ACMG Guidelines, 2015. Collection method: not provided. Allele origin: germline. Inheritance: Autosomal recessive inheritance. Affected: yes.

NM_014140.4(SMARCAL1):c.1335-91G>A

Gene: SMARCAL1 (SNF2 related chromatin remodeling annealing helicase 1; plus strand). Cytogenetic location: 2q35.
Variant type: single nucleotide variant.
Coding change: c.1335-91G>A on transcript NM_014140.4 (MANE Select); 91 bases into the intron before coding-DNA position 1335, G replaced by A.
Molecular consequence: intron variant.
Genome position (GRCh38, 1-based): chr2:216,432,627, G>A. VCF-style: chr2-216432627-G-A. GRCh37 (hg19) VCF-style: chr2-217297350-G-A.
Other names: c.1335-91G>A (NM_001127207.2).
Identifiers: ClinVar variation 1244993 (VCV001244993.5), dbSNP rs2271334, ClinGen allele CA11239071.